The following is an entry in ClinVar:

NM_001122955.4(BSCL2):c.1369C>T (p.Pro457Ser)

Genes: BSCL2 (BSCL2 lipid droplet biogenesis associated, seipin; minus strand), HNRNPUL2-BSCL2 (HNRNPUL2-BSCL2 readthrough (NMD candidate); minus strand). Cytogenetic location: 11q12.3.
Variant type: single nucleotide variant.
Coding change: c.1369C>T on transcript NM_001122955.4 (MANE Select); coding-DNA position 1369, C replaced by T.
Protein change: p.Pro457Ser; replaces proline 457 with serine.
Molecular consequence: missense variant. On other transcripts: non-coding transcript variant (1), 3 prime UTR variant (1).
Genome position (GRCh38, 1-based): chr11:62,690,387, G>A on the plus strand (C>T on the coding strand, the complement: BSCL2 is on the minus strand). VCF-style: chr11-62690387-G-A. GRCh37 (hg19) VCF-style: chr11-62457859-G-A.
Other names: c.*171C>T (NM_001130702.2); c.1375C>T, p.Pro459Ser (NM_001386027.1); c.1369C>T, p.Pro457Ser (NM_001386028.1); c.1177C>T, p.Pro393Ser (NM_032667.6); short protein forms P457S, P393S, P459S.
Identifiers: ClinVar variation 806685 (VCV000806685.44), dbSNP rs769048111, ClinGen allele CA6053240.

ClinVar aggregate classification (germline): Uncertain significance. Review status: criteria provided, multiple submitters, no conflicts (2 of 4 stars). 2 submissions from 2 submitters: Uncertain significance (2). Last evaluated 2024-06-10.

Conditions:
Charcot-Marie-Tooth disease type 2. Also called: Charcot-Marie-Tooth type 2. Identifiers: Orphanet 64746, MedGen C0270914, MONDO:0018993.

Allele frequency attached by ClinVar (database versions not stated): gnomAD exomes below 0.00001 and 0.00001; ExAC 0.00001.
gnomAD v4.1: 8 of 1,614,060 alleles (0.0005%); highest among the groups gnomAD compares: South Asian, 0.0011%; no homozygotes.

Submissions (2):

Labcorp Genetics (formerly Invitae), Labcorp
Classification: Uncertain significance for Charcot-Marie-Tooth disease type 2. Last evaluated: 2024-06-10. Review status: criteria provided, single submitter. Criteria: Invitae Variant Classification Sherloc (09022015). Collection method: clinical testing. Allele origin: germline.
Comment: This sequence change replaces proline, which is neutral and non-polar, with serine, which is neutral and polar, at codon 393 of the BSCL2 protein (p.Pro393Ser). This variant is present in population databases (rs769048111, gnomAD 0.0009%). This variant has not been reported in the literature in individuals affected with BSCL2-related conditions. ClinVar contains an entry for this variant (Variation ID: 806685). Algorithms developed to predict the effect of missense changes on protein structure and function output the following: SIFT: "Not Available"; PolyPhen-2: "Benign"; Align-GVGD: "Not Available". The serine amino acid residue is found in multiple mammalian species, which suggests that this missense change does not adversely affect protein function. In summary, the available evidence is currently insufficient to determine the role of this variant in disease. Therefore, it has been classified as a Variant of Uncertain Significance.

CeGaT Center for Human Genetics Tuebingen
Classification: Uncertain significance. Last evaluated: 2017-03-01. Review status: criteria provided, single submitter. Criteria: CeGaT Center For Human Genetics Tuebingen Variant Classification Criteria Version 2. Collection method: clinical testing. Allele origin: germline. Affected: yes. Observed: 1 variant allele.